The following is an entry in ClinVar:

ClinVar aggregate classification (germline): Benign. Review status: reviewed by expert panel (3 of 4 stars). 8 submissions from 8 submitters: Benign (1). 7 of the submissions do not count toward it. Last evaluated 2025-05-20.

Conditions:
RPGR-related retinopathy. Also called: RPGR retinopathy. Identifiers: MedGen CN305589, MONDO:0100437.
Retinal dystrophy. Also called: Inherited retinal dystrophy. Identifiers: Orphanet 71862, MedGen C0854723, MeSH D058499, MONDO:0019118, HP:0000556.
Primary ciliary dyskinesia. Also called: Ciliary dyskinesia. Identifiers: Orphanet 244, MedGen C0008780, MONDO:0016575, HP:0012265.

Allele frequency attached by ClinVar (database versions not stated): ESP Exome Variant Server 0.00019; gnomAD 0.00035 and 0.00060; TOPMed 0.00053; gnomAD exomes 0.00065 and 0.00119; ExAC 0.00137; 1000 Genomes Project 30x 0.00229; 1000 Genomes Project 0.00265.
gnomAD v4.1: 777 of 1,207,289 alleles (0.064%); highest among the groups gnomAD compares: East Asian, 2%; 4 homozygotes.

Submissions (8):

ClinGen X-linked Inherited Retinal Disease Variant Curation Expert Panel, ClinGen
Classification: Benign for RPGR-related retinopathy. Last evaluated: 2025-05-20. Review status: reviewed by expert panel. Criteria: ClinGen X LinkedIRD ACMG Specifications RPGR V1.0.0. Collection method: curation. Allele origin: germline. Inheritance: X-linked inheritance.
Comment: NM_001034853.2(RPGR):c.785C>G (p.Ala262Gly) is a missense variant predicted to cause substitution of alanine by glycine at amino acid 262. This variant is present in gnomAD v.4.1.0 at a frequency of 0.01285 among hemizygous individuals, with 240 variant alleles / 395,133 total hemizygous alleles, which is higher than the ClinGen X-linked IRD VCEP BA1 threshold of >0.00005 (BA1). The computational predictor REVEL gives a score of 0.179, which is below the ClinGen X-linked IRD VCEP threshold of <0.183 and predicts a non-damaging effect on RPGR function (BP4_moderate). Additionally, the splicing impact predictor SpliceAI gives a delta score of 0.08, which is below the ClinGen X-linked IRD VCEP recommended threshold of <0.1 and does not strongly predict an impact on splicing. At least one proband harboring this variant has been genotyped by whole exome sequencing without the identification of an alternative explanation for disease (2 pts), and exhibits a phenotype including onset before age 30 years (required), reduced rod and extinguished cone ERG responses, poor central vision (0.5 pts), photophobia (0.5 pts), macular atrophy (0.5 pts), optic disc pallor (0.5 pts), and attenuated retinal arteries (0.5 pts), which together are specific for RPGR-related retinopathy (4.5 points, PMID: 23776498, PP4). While the authors of the study did not identify the variant as the cause of the patient's disease, the PP4 code is met. In summary, this variant meets the criteria to be classified as benign for RPGR-related retinopathy based on the ClinGen X-linked Inherited Retinal Disease Expert Panel Specifications to the ACMG/AMP Variant Interpretation Guidelines for RPGR Version 1.0.0; BA1, BP4, and PP4. (date of approval 05/16/2025).

Labcorp Genetics (formerly Invitae), Labcorp
Classification: Benign for Primary ciliary dyskinesia. Last evaluated: 2026-01-26. Review status: criteria provided, single submitter. Criteria: Invitae Variant Classification Sherloc (09022015). Collection method: clinical testing. Allele origin: germline. Not counted in ClinVar's aggregate classification.

Blueprint Genetics
Classification: Likely benign. Last evaluated: 2024-10-23. Review status: criteria provided, single submitter. Criteria: ACMG Guidelines, 2015. Collection method: clinical testing. Allele origin: germline. Not counted in ClinVar's aggregate classification.

Dept Of Ophthalmology, Nagoya University
Classification: Benign for Retinal dystrophy. Last evaluated: 2023-10-01. Review status: criteria provided, single submitter. Criteria: Submitter's publication. Collection method: research. Allele origin: germline. Affected: yes. Not counted in ClinVar's aggregate classification.

PreventionGenetics, part of Exact Sciences
Classification: Benign. Last evaluated: 2017-11-21. Review status: criteria provided, single submitter. Criteria: ACMG Guidelines, 2015. Collection method: clinical testing. Allele origin: germline. Not counted in ClinVar's aggregate classification.

Eurofins Ntd Llc (ga)
Classification: Benign. Last evaluated: 2017-06-26. Review status: criteria provided, single submitter. Criteria: EGL Classification Definitions 2015. Collection method: clinical testing. Allele origin: germline. Observed: 1 variant allele, 1 hemizygote. Not counted in ClinVar's aggregate classification.

Breakthrough Genomics
Classification: Benign. Review status: criteria provided, single submitter. Criteria: ACMG Guidelines, 2015. Collection method: not provided. Allele origin: germline. Inheritance: X-linked inheritance. Affected: yes. Not counted in ClinVar's aggregate classification.

Department of Ophthalmology and Visual Sciences Kyoto University
Classification: Likely benign. Review status: no assertion criteria provided. Collection method: not provided. Allele origin: unknown. Not counted in ClinVar's aggregate classification.
ClinVar note: Converted during submission from probable-non-pathogenic to Likely benign.

NM_001034853.2(RPGR):c.785C>G (p.Ala262Gly)

Gene: RPGR (retinitis pigmentosa GTPase regulator; minus strand). Cytogenetic location: Xp11.4.
Variant type: single nucleotide variant.
Coding change: c.785C>G on transcript NM_001034853.2 (MANE Select); coding-DNA position 785, C replaced by G.
Protein change: p.Ala262Gly; replaces alanine 262 with glycine.
Molecular consequence: missense variant. On other transcripts: non-coding transcript variant (5).
Genome position (GRCh38, 1-based): chrX:38,304,784, G>C on the plus strand (C>G on the coding strand, the complement: RPGR is on the minus strand). VCF-style: chrX-38304784-G-C. GRCh37 (hg19) VCF-style: chrX-38164037-G-C.
Other names: NM_001034853.2(RPGR):c.785C>G; c.785C>G, p.Ala262Gly (NM_000328.3, NM_001367246.1, NM_001367247.1 and 1 more transcripts); c.782C>G, p.Ala261Gly (NM_001367245.1, NM_001367249.1, NM_001367250.1); c.815C>G, p.Ala272Gly (NM_001367248.1); short protein forms A262G, A261G, A272G.
Identifiers: ClinVar variation 143092 (VCV000143092.21), dbSNP rs138018739, ClinGen allele CA232823.
Genomic context (GRCh38, chrX:38,304,784, plus strand): 5'-TCAAAAAGAAAAGTGCCAAGACCCAGCTGACCAAATTGTCCCAGCCCAAAGGTATACACA[G>C]CATTCTCTGAAAGGAAAGGGGCAAATACAAGACAAGGATTATGGAAGCAGACACTGTTAC-3'
Protein context (NP_001030025.1, residues 252-272): GEHTVVLTEN[Ala262Gly]VYTFGLGQFG